The following is an entry in ClinVar:

ClinVar aggregate classification (germline): Uncertain significance. Review status: criteria provided, multiple submitters, no conflicts (2 of 4 stars). 5 submissions from 5 submitters: Uncertain significance (5). Last evaluated 2026-06-09.

Conditions:
PLEC-related disorder. Also called: PLEC-related disorders; PLEC-related condition.
Epidermolysis bullosa simplex 5C, with pyloric atresia (EBS5C). Also called: PLEC-Related Epidermolysis Bullosa with Pyloric Atresia; PLEC1-Related Epidermolysis Bullosa with Pyloric Atresia; Epidermolysis bullosa simplex with pyloric atresia. Identifiers: Orphanet 158684, MedGen C2677349, MONDO:0012807, OMIM 612138.
Epidermolysis bullosa simplex, Ogna type (EBS5A). Also called: Pidermolysis bullosa simplex 5A, Ogna type; EPIDERMOLYSIS BULLOSA SIMPLEX 5A, OGNA TYPE. Identifiers: Orphanet 79401, MedGen C0432317, MONDO:0007555, OMIM 131950.
Epidermolysis bullosa simplex 5B, with muscular dystrophy (EBS5B). Also called: Epidermolysis bullosa simplex with muscular dystrophy; EPIDERMOLYSIS BULLOSA SIMPLEX AND LIMB-GIRDLE MUSCULAR DYSTROPHY. Identifiers: Orphanet 257, MedGen C2931072, MONDO:0009181, OMIM 226670.
Epidermolysis bullosa simplex with nail dystrophy (EBS5D). Identifiers: MedGen C4225309, MONDO:0014661, OMIM 616487.
Autosomal recessive limb-girdle muscular dystrophy type 2Q (LGMDR17). Also called: MUSCULAR DYSTROPHY, LIMB-GIRDLE, AUTOSOMAL RECESSIVE 17. Identifiers: Orphanet 254361, MedGen C3150989, MONDO:0013390, OMIM 613723.

Submissions (5):

PreventionGenetics, part of Exact Sciences
Classification: Uncertain significance for PLEC-related condition. Last evaluated: 2026-06-09. Review status: criteria provided, single submitter. Criteria: ACMG Guidelines, 2015. Collection method: clinical testing. Allele origin: germline.
Comment: The PLEC c.6356_6358delAGG variant is predicted to result in an in-frame deletion (p.Glu2119del). To our knowledge, this variant has not been reported in the literature. This variant is reported in 0.012% of alleles in individuals of African descent in gnomAD. At this time, the clinical significance of this variant is uncertain due to the absence of conclusive functional and genetic evidence.

Labcorp Genetics (formerly Invitae), Labcorp
Classification: Uncertain significance for Autosomal recessive limb-girdle muscular dystrophy type 2Q; Epidermolysis bullosa simplex, Ogna type; Epidermolysis bullosa simplex with nail dystrophy; Epidermolysis bullosa simplex 5C, with pyloric atresia; Epidermolysis bullosa simplex 5B, with muscular dystrophy. Last evaluated: 2025-06-20. Review status: criteria provided, single submitter. Criteria: Invitae Variant Classification Sherloc (09022015). Collection method: clinical testing. Allele origin: germline.
Comment: This variant, c.6356_6358del, results in the deletion of 1 amino acid(s) of the PLEC protein (p.Glu2119del), but otherwise preserves the integrity of the reading frame. This variant is present in population databases (no rsID available, gnomAD 0.01%). This variant has not been reported in the literature in individuals affected with PLEC-related conditions. ClinVar contains an entry for this variant (Variation ID: 595910). Experimental studies and prediction algorithms are not available or were not evaluated, and the functional significance of this variant is currently unknown. In summary, the available evidence is currently insufficient to determine the role of this variant in disease. Therefore, it has been classified as a Variant of Uncertain Significance.

Mayo Clinic Laboratories, Mayo Clinic
Classification: Uncertain significance. Last evaluated: 2024-07-31. Review status: criteria provided, single submitter. Criteria: ACMG Guidelines, 2015. Collection method: clinical testing. Allele origin: germline. Observed: 1 variant allele.

Clinical Genetics Laboratory, Skane University Hospital Lund
Classification: Uncertain significance. Last evaluated: 2022-06-23. Review status: criteria provided, single submitter. Criteria: ACMG Guidelines, 2015. Collection method: clinical testing. Allele origin: germline. Affected: yes.

Eurofins Ntd Llc (ga)
Classification: Uncertain significance. Last evaluated: 2018-01-26. Review status: criteria provided, single submitter. Criteria: EGL Classification Definitions 2015. Collection method: clinical testing. Allele origin: germline. Observed: 2 variant alleles, 2 heterozygotes.

NM_201384.3(PLEC):c.6272AGG[1] (p.Glu2092del)

Gene: PLEC (plectin; minus strand). Cytogenetic location: 8q24.3.
Variant type: Microsatellite.
Coding change: c.6272AGG[1] on transcript NM_201384.3 (MANE Select); one copy of the 3-base unit AGG starting at c.6272; the reference has two copies in a row; one copy, 3 bases deleted; also written c.6275_6277del.
Protein change: p.Glu2092del; deletes glutamic acid 2092.
Molecular consequence: inframe deletion.
Genome position (GRCh38, 1-based): chr8:143,923,652-143,923,654, CCT deleted on the plus strand (AGG on the coding strand, the reverse complement: PLEC is on the minus strand); deleting any 3 consecutive bases within chr8:143,923,652-143,923,658 gives the same sequence; the position shown is the placement nearest the transcript's 3' end. VCF-style (leftmost placement, unchanged base first): chr8-143923651-GCCT-G. GRCh37 (hg19) VCF-style: chr8-144997819-GCCT-G.
Other names: p.Glu2119del; c.6353AGG[1], p.Glu2119del (NM_000445.5); c.6230AGG[1], p.Glu2078del (NM_201378.4); c.6206AGG[1], p.Glu2070del (NM_201379.3); c.6683AGG[1], p.Glu2229del (NM_201380.4); c.6176AGG[1], p.Glu2060del (NM_201381.3); c.6272AGG[1], p.Glu2092del (NM_201382.4); c.6284AGG[1], p.Glu2096del (NM_201383.3); and 3 more; short protein forms E2060del, E2070del, E2078del, E2092del, E2096del, E2119del, E2229del.
Identifiers: ClinVar variation 595910 (VCV000595910.14), dbSNP rs1278960213, ClinGen allele CA586158268.